The following is an entry in ClinVar:

ClinVar aggregate classification (germline): Uncertain significance (1 of 4 stars; one submission).

gnomAD v4.1: 9 of 1,611,340 alleles (0.00056%); highest among the groups gnomAD compares: Non-Finnish European, 0.00068%; no homozygotes.

Submission:

Labcorp Genetics (formerly Invitae), Labcorp
Classification: Uncertain significance. Last evaluated: 2025-12-09. Review status: criteria provided, single submitter. Criteria: Invitae Variant Classification Sherloc (09022015). Collection method: clinical testing. Allele origin: germline.
Comment: This sequence change replaces aspartic acid, which is acidic and polar, with asparagine, which is neutral and polar, at codon 1622 of the ATR protein (p.Asp1622Asn). This variant is present in population databases (no rsID available, gnomAD 0.007%). This variant has not been reported in the literature in individuals affected with ATR-related conditions. An algorithm developed to predict the effect of missense changes on protein structure and function outputs the following: PolyPhen-2: "Benign". The asparagine amino acid residue is found in multiple mammalian species, which suggests that this missense change does not adversely affect protein function. In summary, the available evidence is currently insufficient to determine the role of this variant in disease. Therefore, it has been classified as a Variant of Uncertain Significance.

NM_001184.4(ATR):c.4864G>A (p.Asp1622Asn)

Gene: ATR (ATR checkpoint kinase; minus strand). Cytogenetic location: 3q23.
Variant type: single nucleotide variant.
Coding change: c.4864G>A on transcript NM_001184.4 (MANE Select); coding-DNA position 4864, G replaced by A.
Protein change: p.Asp1622Asn; replaces aspartic acid 1622 with asparagine.
Molecular consequence: missense variant.
Genome position (GRCh38, 1-based): chr3:142,508,098, C>T on the plus strand (G>A on the coding strand, the complement: ATR is on the minus strand). VCF-style: chr3-142508098-C-T. GRCh37 (hg19) VCF-style: chr3-142226940-C-T.
Other names: c.4672G>A, p.Asp1558Asn (NM_001354579.2); short protein forms D1558N, D1622N.
Identifiers: ClinVar variation 4737298 (VCV004737298.1).
Genomic context (GRCh38, chr3:142,508,098, plus strand): 5'-CCAGAGTATCCTGGGGTATGAGGTCTAGAAAACGGGTTACACTCTGATAGTCTTCATAAT[C>T]CACAGTAGATACTAGATCATAAAAAAAGTTGAGTAATTAAAGACTTATAAGATAAAATTT-3'
Protein context (NP_001175.2, residues 1612-1632): NKVDSMVSTV[Asp1622Asn]YEDYQSVTRF